The following is an entry in ClinVar:

ClinVar aggregate classification (germline): Uncertain significance (1 of 4 stars; one submission).

Allele frequency attached by ClinVar (database versions not stated): gnomAD exomes below 0.00001 and 0.00001; ExAC 0.00001; gnomAD 0.00001; TOPMed 0.00001.
gnomAD v4.1: 5 of 1,613,620 alleles (0.00031%); highest among the groups gnomAD compares: Non-Finnish European, 0.00042%; no homozygotes.

Submission:

Labcorp Genetics (formerly Invitae), Labcorp
Classification: Uncertain significance. Last evaluated: 2021-07-31. Review status: criteria provided, single submitter. Criteria: Invitae Variant Classification Sherloc (09022015). Collection method: clinical testing. Allele origin: germline.
Comment: In summary, the available evidence is currently insufficient to determine the role of this variant in disease. Therefore, it has been classified as a Variant of Uncertain Significance. Algorithms developed to predict the effect of missense changes on protein structure and function are either unavailable or do not agree on the potential impact of this missense change (SIFT: "Deleterious"; PolyPhen-2: "Benign"; Align-GVGD: "Class C0"). This variant has not been reported in the literature in individuals affected with MKL1-related conditions. The frequency data for this variant in the population databases is considered unreliable, as metrics indicate poor data quality at this position in the ExAC database. This sequence change replaces proline with leucine at codon 2 of the MKL1 protein (p.Pro2Leu). The proline residue is moderately conserved and there is a moderate physicochemical difference between proline and leucine.

NM_020831.6(MRTFA):c.305C>T (p.Pro102Leu)

Gene: MRTFA (myocardin related transcription factor A; minus strand). Cytogenetic location: 22q13.1.
Variant type: single nucleotide variant.
Coding change: c.305C>T on transcript NM_020831.6 (MANE Select); coding-DNA position 305, C replaced by T.
Protein change: p.Pro102Leu; replaces proline 102 with leucine.
Molecular consequence: missense variant.
Genome position (GRCh38, 1-based): chr22:40,463,223, G>A on the plus strand (C>T on the coding strand, the complement: MRTFA is on the minus strand). VCF-style: chr22-40463223-G-A. GRCh37 (hg19) VCF-style: chr22-40859227-G-A.
Other names: c.5C>T, p.Pro2Leu (NM_001282660.2); c.305C>T, p.Pro102Leu (NM_001282661.3, NM_001282662.3); c.110C>T, p.Pro37Leu (NM_001318139.2); short protein forms P102L, P2L, P37L.
Identifiers: ClinVar variation 1683165 (VCV001683165.6), dbSNP rs780048257, ClinGen allele CA10250041.
Genomic context (GRCh38, chr22:40,463,223, plus strand): 5'-TGAACACAGCCATGTCCTAAAAGCAATCTACCAAATGCTGAGAGAGAGAGGCACTTACGC[G>A]GCATGATCCCTTGGCTCACCAGTTCTTCCCGGGTCCGGCGCTGCTGGAGTTTCAACTGTA-3'
Protein context (NP_065882.2, residues 92-112): REELVSQGIM[Pro102Leu]PLKSPAAFHE